The following is an entry in ClinVar:

NM_018941.4(CLN8):c.*14G>T

Gene: CLN8 (CLN8 transmembrane ER and ERGIC protein; plus strand). Cytogenetic location: 8p23.3.
Variant type: single nucleotide variant.
Coding change: c.*14G>T on transcript NM_018941.4 (MANE Select); 14 bases downstream of the stop codon, G replaced by T.
Molecular consequence: 3 prime UTR variant.
Genome position (GRCh38, 1-based): chr8:1,780,581, G>T. VCF-style: chr8-1780581-G-T. GRCh37 (hg19) VCF-style: chr8-1728747-G-T.
Identifiers: ClinVar variation 382876 (VCV000382876.1), dbSNP rs551042352, ClinGen allele CA4599373.

ClinVar aggregate classification (germline): Likely benign (1 of 4 stars; one submission).

Allele frequency attached by ClinVar (database versions not stated): ExAC 0.00001; 1000 Genomes Project 30x 0.00016; gnomAD 0.00003; gnomAD exomes below 0.00001; TOPMed 0.00002; 1000 Genomes Project 0.00020.
gnomAD v4.1: 4 of 1,610,746 alleles (0.00025%); highest among the groups gnomAD compares: African/African-American, 0.0053%; no homozygotes.

Submission:

GeneDx
Classification: Likely benign. Last evaluated: 2016-01-15. Review status: criteria provided, single submitter. Criteria: GeneDx Variant Classification (06012015). Collection method: clinical testing. Allele origin: germline. Affected: yes.
Comment: This variant is considered likely benign or benign based on one or more of the following criteria: it is a conservative change, it occurs at a poorly conserved position in the protein, it is predicted to be benign by multiple in silico algorithms, and/or has population frequency not consistent with disease.